The following is an entry in ClinVar:

ClinVar aggregate classification (germline): Uncertain significance. Review status: criteria provided, multiple submitters, no conflicts (2 of 4 stars). 2 submissions from 2 submitters: Uncertain significance (2). Last evaluated 2024-10-17.

Allele frequency attached by ClinVar (database versions not stated): gnomAD exomes below 0.00001; ExAC 0.00002.
gnomAD v4.1: 4 of 1,614,084 alleles (0.00025%); highest among the groups gnomAD compares: South Asian, 0.0044%; no homozygotes.

Submissions (2):

Labcorp Genetics (formerly Invitae), Labcorp
Classification: Uncertain significance. Last evaluated: 2024-10-17. Review status: criteria provided, single submitter. Criteria: Invitae Variant Classification Sherloc (09022015). Collection method: clinical testing. Allele origin: germline.
Comment: This sequence change replaces glutamine, which is neutral and polar, with glutamic acid, which is acidic and polar, at codon 1063 of the SPTA1 protein (p.Gln1063Glu). This variant is present in population databases (rs777083248, gnomAD 0.006%). This variant has not been reported in the literature in individuals affected with SPTA1-related conditions. ClinVar contains an entry for this variant (Variation ID: 2333047). An algorithm developed to predict the effect of missense changes on protein structure and function (PolyPhen-2) suggests that this variant is likely to be tolerated. In summary, the available evidence is currently insufficient to determine the role of this variant in disease. Therefore, it has been classified as a Variant of Uncertain Significance.

Ambry Genetics
Classification: Uncertain significance. Last evaluated: 2022-12-05. Review status: criteria provided, single submitter. Criteria: Ambry Variant Classification Scheme 2023. Collection method: clinical testing. Allele origin: germline.

NM_003126.4(SPTA1):c.3187C>G (p.Gln1063Glu)

Gene: SPTA1 (spectrin alpha, erythrocytic 1; minus strand). Cytogenetic location: 1q23.1.
Variant type: single nucleotide variant.
Coding change: c.3187C>G on transcript NM_003126.4 (MANE Select); coding-DNA position 3187, C replaced by G.
Protein change: p.Gln1063Glu; replaces glutamine 1063 with glutamic acid.
Molecular consequence: missense variant.
Genome position (GRCh38, 1-based): chr1:158,653,275, G>C on the plus strand (C>G on the coding strand, the complement: SPTA1 is on the minus strand). VCF-style: chr1-158653275-G-C. GRCh37 (hg19) VCF-style: chr1-158623065-G-C.
Other names: short protein forms Q1063E.
Identifiers: ClinVar variation 2333047 (VCV002333047.4), dbSNP rs777083248, ClinGen allele CA1183152.